The following is an entry in ClinVar:

NM_000492.4(CFTR):c.1792_1798del (p.Lys598fs)

Gene: CFTR (CF transmembrane conductance regulator; plus strand). Cytogenetic location: 7q31.2.
Variant type: Deletion.
Coding change: c.1792_1798del on transcript NM_000492.4 (MANE Select); coding-DNA positions 1792 to 1798, 7 bases deleted (AAAACTA; older notation c.1792_1798delAAAACTA).
Protein change: p.Lys598fs; shifts the reading frame from lysine 598.
Molecular consequence: frameshift variant.
Genome position (GRCh38, 1-based): chr7:117,591,959-117,591,965, AAAACTA deleted. VCF-style (leftmost placement, unchanged base first): chr7-117591958-CAAAACTA-C. GRCh37 (hg19) VCF-style: chr7-117232012-CAAAACTA-C.
Other names: 1924del7; c.1792_1798delAAAACTA (NM_000492.3); c.1792_1798del7 (NM_000492.3); short protein forms K598fs.
Identifiers: ClinVar variation 53388 (VCV000053388.9), dbSNP rs397508303, ClinGen allele CA326676.

ClinVar aggregate classification (germline): Pathogenic. Review status: reviewed by expert panel (3 of 4 stars). 6 submissions from 6 submitters: Pathogenic (1). 5 of the submissions do not count toward it. Last evaluated 2017-03-17.

Conditions:
CFTR-related disorder (CFTR-RD). Also called: CFTR-related condition; CFTR-related disorders. Identifiers: MedGen C5924204, MONDO:7770004.
Cystic fibrosis (CF). Also called: MUCOVISCIDOSIS. Identifiers: Orphanet 586, MedGen C0010674, MONDO:0009061, OMIM 219700. Disease mechanism: loss of function.

Submissions (6):

CFTR2
Classification: Pathogenic for Cystic fibrosis. Last evaluated: 2017-03-17. Review status: reviewed by expert panel. Criteria: Sosnay PR et al. (Nat Genet 2013). Collection method: research. Allele origin: germline. Affected: yes. Study: CFTR2.

Natera, Inc.
Classification: Pathogenic for CFTR-related disorders. Last evaluated: 2024-08-09. Review status: criteria provided, single submitter. Criteria: Natera Variant Classification Schema (03/2026). Collection method: clinical testing. Allele origin: germline. Not counted in ClinVar's aggregate classification.
Comment: The c.1792_1798delAAAACTA variant in CFTR is a frameshift variant predicted to shift the reading frame beginning at codon 598 and leads to a stop codon 11 codons downstream. This variant is expected to result in nonsense mediated decay, truncation, or a dysfunctional protein product. This variant is rare in the general population with a frequency below the threshold expected for the associated phenotype(s). This variant has been observed in one or more individuals affected with the associated recessive disease, as either homozygous or compound heterozygous with a second variant (PMID: 9298826, 34086412). Given the available evidence, this variant is classified as Pathogenic.

CFTR-France
Classification: Pathogenic for cystic fibrosis. Last evaluated: 2018-01-29. Review status: criteria provided, single submitter. Criteria: Claustres M et al. (Hum Mutat 2017). Collection method: curation. Allele origin: germline. Affected: yes. Not counted in ClinVar's aggregate classification.

Labcorp Genetics (formerly Invitae), Labcorp
Classification: Pathogenic for Cystic fibrosis. Last evaluated: 2016-10-24. Review status: criteria provided, single submitter. Criteria: Invitae Variant Classification Sherloc (09022015). Collection method: clinical testing. Allele origin: germline. Not counted in ClinVar's aggregate classification.
Comment: For these reasons, this variant has been classified as Pathogenic. Loss-of-function variants in CFTR are known to be pathogenic. This particular variant has been reported in the literature (PMID: 9298826, 16963320). This variant is also known as 1924del7 and c.1924_1930del. This sequence change deletes 7 nucleotides in exon 14 of the CFTR mRNA (c.1792_1798delAAAACTA), causing a frameshift at codon 598. This creates a premature translational stop signal (p.Lys598Glyfs*11) and is expected to result in an absent or disrupted protein product.

Women's Health and Genetics/Laboratory Corporation of America, LabCorp
Classification: Pathogenic for Cystic fibrosis. Last evaluated: 2016-03-11. Review status: criteria provided, single submitter. Criteria: LabCorp Variant Classification Summary - May 2015. Collection method: clinical testing. Allele origin: germline. Not counted in ClinVar's aggregate classification.
Comment: Variant summary: The CFTR c.1792_1798delAAAACTA variant results in a premature termination codon, predicted to cause a truncated or absent CFTR protein due to nonsense meditated decay, which are commonly known mechanisms for CF. Truncations downstream of this position have been classified as pathogenic by our laboratory (e.g. p.Thr663fs). Mutation Taster predicts a damaging outcome for this variant. This variant was not found in 117990 control chromosomes, but has been identified in at least 7 CF patients with an average sweat chloride test of 119 mmol/L (CFTR2 database). In addition, at least one reputable database has classified this variant as pathogenic. Taken together, this variant was classified as pathogenic.

Counsyl
Classification: Pathogenic for Cystic fibrosis. Last evaluated: 2017-08-03. Review status: no assertion criteria provided. Collection method: clinical testing. Allele origin: unknown. Not counted in ClinVar's aggregate classification.

Literature cited by the submitters: PubMed 9298826 (cited by 3 submitters); PubMed 34086412 (cited by Natera, Inc.); PubMed 16963320 (cited by Labcorp Genetics (formerly Invitae), Labcorp); PubMed 15365999 (cited by Women's Health and Genetics/Laboratory Corporation of America, LabCorp); PubMed 20920895 (cited by Women's Health and Genetics/Laboratory Corporation of America, LabCorp).